The following is an entry in ClinVar:

NM_000426.4(LAMA2):c.7024C>T (p.Gln2342Ter)

Gene: LAMA2 (laminin subunit alpha 2; plus strand). Cytogenetic location: 6q22.33.
Variant type: single nucleotide variant.
Coding change: c.7024C>T on transcript NM_000426.4 (MANE Select); coding-DNA position 7024, C replaced by T.
Protein change: p.Gln2342Ter; replaces glutamine 2342 with a stop codon.
Molecular consequence: nonsense.
Genome position (GRCh38, 1-based): chr6:129,464,321, C>T. VCF-style: chr6-129464321-C-T. GRCh37 (hg19) VCF-style: chr6-129785466-C-T.
Other names: c.7024C>T, p.Gln2342Ter (NM_001079823.2); short protein forms Q2342*.
Identifiers: ClinVar variation 817556 (VCV000817556.3), dbSNP rs1583813573, ClinGen allele CA365620036.

ClinVar aggregate classification (germline): Pathogenic (1 of 4 stars; one submission).

Submission:

GeneDx
Classification: Pathogenic. Last evaluated: 2020-09-30. Review status: criteria provided, single submitter. Criteria: GeneDx Variant Classification Process June 2021. Collection method: clinical testing. Allele origin: germline. Affected: yes.
Comment: Nonsense variant predicted to result in protein truncation or nonsense mediated decay in a gene for which loss-of-function is a known mechanism of disease; Not observed in large population cohorts (Lek et al., 2016); Has not been previously published as pathogenic or benign to our knowledge